The following is an entry in ClinVar:

NM_001374736.1(DST):c.23432A>G (p.Lys7811Arg)

Gene: DST (dystonin; minus strand). Cytogenetic location: 6p12.1.
Variant type: single nucleotide variant.
Coding change: c.23432A>G on transcript NM_001374736.1 (MANE Select); coding-DNA position 23432, A replaced by G.
Protein change: p.Lys7811Arg; replaces lysine 7811 with arginine.
Molecular consequence: missense variant.
Genome position (GRCh38, 1-based): chr6:56,459,030, T>C on the plus strand (A>G on the coding strand, the complement: DST is on the minus strand). VCF-style: chr6-56459030-T-C. GRCh37 (hg19) VCF-style: chr6-56323828-T-C.
Other names: c.17003A>G, p.Lys5668Arg (NM_001144769.5); c.16589A>G, p.Lys5530Arg (NM_001144770.2); c.23360A>G, p.Lys7787Arg (NM_001374722.1); c.22361A>G, p.Lys7454Arg (NM_001374729.1); c.16103A>G, p.Lys5368Arg (NM_001374730.1); c.23387A>G, p.Lys7796Arg (NM_001374734.1); c.15491A>G, p.Lys5164Arg (NM_015548.5); c.16469A>G, p.Lys5490Arg (NM_183380.4); short protein forms K5368R, K5490R, K5530R, K7454R, K7787R, K7811R, K5164R, K7796R.
Identifiers: ClinVar variation 967605 (VCV000967605.9), dbSNP rs201891015, ClinGen allele CA3865970.

ClinVar aggregate classification (germline): Conflicting classifications of pathogenicity. Review status: criteria provided, conflicting classifications (1 of 4 stars). 4 submissions from 4 submitters: Uncertain significance (2); Likely benign (2). Last evaluated 2025-07-01.

Conditions:
DST-related disorder. Also called: DST-related condition; DST-related disorders.
Epidermolysis bullosa simplex 3, localized or generalized intermediate, with BP230 deficiency (EBS3). Also called: Epidermolysis bullosa simplex, autosomal recessive 2; Epidermolysis bullosa simplex due to BP230 deficiency. Identifiers: Orphanet 412181, MedGen C3809470, MONDO:0014180, OMIM 615425.
Hereditary sensory and autonomic neuropathy type 6. Also called: HSAN VI; Neuropathy, hereditary sensory and autonomic, type VI. Identifiers: Orphanet 314381, MedGen C3539003, MONDO:0013839, OMIM 614653.
Inborn genetic diseases. Identifiers: MedGen C0950123, MeSH D030342.

Allele frequency attached by ClinVar (database versions not stated): gnomAD 0.00031 and 0.00032; ExAC 0.00033; gnomAD exomes 0.00033 and 0.00043; 1000 Genomes Project 0.00040; TOPMed 0.00045; 1000 Genomes Project 30x 0.00047; ESP Exome Variant Server 0.00092.
gnomAD v4.1: 675 of 1,612,186 alleles (0.042%); highest among the groups gnomAD compares: Non-Finnish European, 0.052%; 1 homozygote.

Submissions (4):

PreventionGenetics, part of Exact Sciences
Classification: Likely benign for DST-related condition. Last evaluated: 2025-07-01. Review status: criteria provided, single submitter. Criteria: ACMG Guidelines, 2015. Collection method: clinical testing. Allele origin: germline.
Comment: This variant is classified as likely benign based on ACMG/AMP sequence variant interpretation guidelines (Richards et al. 2015 PMID: 25741868, with internal and published modifications).

Labcorp Genetics (formerly Invitae), Labcorp
Classification: Uncertain significance for Epidermolysis bullosa simplex 3, localized or generalized intermediate, with BP230 deficiency; Hereditary sensory and autonomic neuropathy type 6. Last evaluated: 2022-08-21. Review status: criteria provided, single submitter. Criteria: Invitae Variant Classification Sherloc (09022015). Collection method: clinical testing. Allele origin: germline.
Comment: The DST gene has multiple clinically relevant transcripts. This variant occurs in alternate transcript NM_015548.4, and corresponds to NM_001723.5:c.*156487A>G in the primary transcript. This sequence change replaces lysine, which is basic and polar, with arginine, which is basic and polar, at codon 5164 of the DST protein (p.Lys5164Arg). This variant is present in population databases (rs201891015, gnomAD 0.06%). This variant has not been reported in the literature in individuals affected with DST-related conditions. ClinVar contains an entry for this variant (Variation ID: 967605). Algorithms developed to predict the effect of missense changes on protein structure and function output the following: SIFT: "Not Available"; PolyPhen-2: "Not Available"; Align-GVGD: "Not Available". The arginine amino acid residue is found in multiple mammalian species, which suggests that this missense change does not adversely affect protein function. In summary, the available evidence is currently insufficient to determine the role of this variant in disease. Therefore, it has been classified as a Variant of Uncertain Significance.

Ambry Genetics
Classification: Uncertain significance for Inborn genetic diseases. Last evaluated: 2022-07-08. Review status: criteria provided, single submitter. Criteria: Ambry Variant Classification Scheme 2023. Collection method: clinical testing. Allele origin: germline.
Comment: The p.K5668R variant (also known as c.17003A>G), located in coding exon 97 of the DST gene, results from an A to G substitution at nucleotide position 17003. The lysine at codon 5668 is replaced by arginine, an amino acid with highly similar properties. This amino acid position is well conserved in available vertebrate species; however, arginine is the reference amino acid in other vertebrate species. In addition, this alteration is predicted to be tolerated by in silico analysis. Since supporting evidence is limited at this time, the clinical significance of this alteration remains unclear.

Department of Pathology and Laboratory Medicine, Sinai Health System
Classification: Likely benign for hereditary sensory and autonomic neuropathy type 6. Last evaluated: 2020-05-06. Review status: criteria provided, single submitter. Criteria: ACMG Guidelines, 2015. Collection method: research. Allele origin: germline.